The following is an entry in ClinVar:

NC_000020.11:g.10641783dup

Gene: JAG1 (jagged canonical Notch ligand 1; minus strand). Cytogenetic location: 20p12.2.
Variant type: Duplication.
Genome position: GRCh38 VCF-style: chr20-10641781-A-AC. GRCh37 (hg19) VCF-style: chr20-10622429-A-AC.
Identifiers: ClinVar variation 1071570 (VCV001071570.9), dbSNP rs2122597170, ClinGen allele CA2499225661.

ClinVar aggregate classification (germline): Pathogenic (1 of 4 stars; one submission).

Conditions:
Alagille syndrome due to a JAG1 point mutation. Also called: HEPATIC DUCTULAR HYPOPLASIA, SYNDROMATIC; JAG1-Related Alagille Syndrome; Alagille Syndrome 1. Identifiers: Orphanet 261619, Orphanet 52, MedGen C1956125, MONDO:0016862, OMIM 118450.

Submission:

Labcorp Genetics (formerly Invitae), Labcorp
Classification: Pathogenic for Alagille syndrome due to a JAG1 point mutation. Last evaluated: 2022-03-23. Review status: criteria provided, single submitter. Criteria: Invitae Variant Classification Sherloc (09022015). Collection method: clinical testing. Allele origin: germline.
Comment: ClinVar contains an entry for this variant (Variation ID: 1071570). This sequence change creates a premature translational stop signal (p.Val895Glyfs*57) in the JAG1 gene. It is expected to result in an absent or disrupted protein product. Loss-of-function variants in JAG1 are known to be pathogenic (PMID: 11180599). This variant is not present in population databases (gnomAD no frequency). This premature translational stop signal has been observed in individual(s) with Alagille syndrome (PMID: 16575836). This variant is also known as c.2682+1dup. Algorithms developed to predict the effect of sequence changes on RNA splicing suggest that this variant may disrupt the consensus splice site. For these reasons, this variant has been classified as Pathogenic.

Literature cited by the submitters: PubMed 11180599; PubMed 16575836.